The following is an entry in ClinVar:

ClinVar aggregate classification (germline): Uncertain significance (1 of 4 stars; one submission).

gnomAD v4.1: 3 of 1,585,286 alleles (0.00019%); highest among the groups gnomAD compares: Non-Finnish European, 0.00026%; no homozygotes.

Submission:

Labcorp Genetics (formerly Invitae), Labcorp
Classification: Uncertain significance. Last evaluated: 2025-10-07. Review status: criteria provided, single submitter. Criteria: Invitae Variant Classification Sherloc (09022015). Collection method: clinical testing. Allele origin: germline.
Comment: This sequence change replaces isoleucine, which is neutral and non-polar, with valine, which is neutral and non-polar, at codon 136 of the ABCD3 protein (p.Ile136Val). This variant is not present in population databases (gnomAD no frequency). This variant has not been reported in the literature in individuals affected with ABCD3-related conditions. An algorithm developed to predict the effect of missense changes on protein structure and function (PolyPhen-2) suggests that this variant is likely to be tolerated. In summary, the available evidence is currently insufficient to determine the role of this variant in disease. Therefore, it has been classified as a Variant of Uncertain Significance.

NM_002858.4(ABCD3):c.406A>G (p.Ile136Val)

Gene: ABCD3 (ATP binding cassette subfamily D member 3; plus strand). Cytogenetic location: 1p21.3.
Variant type: single nucleotide variant.
Coding change: c.406A>G on transcript NM_002858.4 (MANE Select); coding-DNA position 406, A replaced by G.
Protein change: p.Ile136Val; replaces isoleucine 136 with valine.
Molecular consequence: missense variant.
Genome position (GRCh38, 1-based): chr1:94,475,143, A>G. VCF-style: chr1-94475143-A-G. GRCh37 (hg19) VCF-style: chr1-94940699-A-G.
Other names: c.406A>G, p.Ile136Val (NM_001122674.2); short protein forms I136V.
Identifiers: ClinVar variation 4760194 (VCV004760194.1).